The following is an entry in ClinVar:

NM_000637.5(GSR):c.307-6_307-5del

Gene: GSR (glutathione-disulfide reductase; minus strand). Cytogenetic location: 8p12.
Variant type: Deletion.
Coding change: c.307-6_307-5del on transcript NM_000637.5 (MANE Select); 6 bases into the intron before coding-DNA position 307 through 5 bases into the intron before coding-DNA position 307, 2 bases deleted (TT; older notation c.307-6_307-5delTT).
Molecular consequence: intron variant.
Genome position (GRCh38, 1-based): chr8:30,712,093-30,712,094, AA deleted on the plus strand (TT on the coding strand, the reverse complement: GSR is on the minus strand); deleting any 2 consecutive bases within chr8:30,712,093-30,712,104 gives the same sequence; the c. name uses the placement nearest the transcript's 3' end. VCF-style (leftmost placement, unchanged base first): chr8-30712092-GAA-G. GRCh37 (hg19) VCF-style: chr8-30569609-GAA-G.
Other names: c.307-6_307-5del (NM_001195104.3, NM_001195102.3, NM_001195103.3).
Identifiers: ClinVar variation 4981573 (VCV004981573.1).

ClinVar aggregate classification (germline): Likely benign (1 of 4 stars; one submission).

Conditions:
GSR-related disorder. Also called: GSR-related condition.

Submission:

PreventionGenetics, part of Exact Sciences
Classification: Likely benign for GSR-related condition. Last evaluated: 2025-01-16. Review status: criteria provided, single submitter. Criteria: ACMG Guidelines, 2015. Collection method: clinical testing. Allele origin: germline.
Comment: This variant is classified as likely benign based on ACMG/AMP sequence variant interpretation guidelines (Richards et al. 2015 PMID: 25741868, with internal and published modifications).